The following is an entry in ClinVar:

ClinVar aggregate classification (germline): Benign/Likely benign. Review status: criteria provided, multiple submitters, no conflicts (2 of 4 stars). 9 submissions from 9 submitters: Benign (5); Likely benign (4). Last evaluated 2026-09-01.

Conditions:
Hereditary retinoblastoma. Identifiers: Orphanet 357027, MedGen C0751483, MONDO:0018160.
Hereditary cancer-predisposing syndrome. Also called: Hereditary neoplastic syndrome; Hereditary Cancer Syndrome; Neoplastic Syndromes, Hereditary; Tumor predisposition. Identifiers: Orphanet 140162, MedGen C0027672, MeSH D009386, MONDO:0015356.
Retinoblastoma (RB1). Also called: RETINOBLASTOMA, SOMATIC. Identifiers: Orphanet 790, MedGen C0035335, MeSH D012175, MONDO:0008380, OMIM 180200, HP:0009919. Disease mechanism: loss of function. Inheritance: Both sporadic and heritable forms are tested..

Allele frequency attached by ClinVar (database versions not stated): ExAC below 0.00001; gnomAD exomes 0.00007; 1000 Genomes Project 0.00060; gnomAD 0.00073 and 0.00076; TOPMed 0.00083; 1000 Genomes Project 30x 0.00094.
gnomAD v4.1: 211 of 1,509,556 alleles (0.014%); highest among the groups gnomAD compares: African/African-American, 0.28%; 1 homozygote.

Submissions (9):

CeGaT Center for Human Genetics Tuebingen
Classification: Likely benign. Last evaluated: 2026-09-01. Review status: criteria provided, single submitter. Criteria: CeGaT Center For Human Genetics Tuebingen Variant Classification Criteria Version 2. Collection method: clinical testing. Allele origin: germline. Affected: yes. Observed: 1 variant allele.
Comment: RB1: BS1

Myriad Genetics, Inc.
Classification: Likely benign for Retinoblastoma. Last evaluated: 2026-06-18. Review status: criteria provided, single submitter. Criteria: Myriad Autosomal Dominant, Autosomal Recessive and X-Linked Classification Criteria (2023). Collection method: clinical testing. Allele origin: unknown.
Comment: This variant is considered likely benign. This variant has been observed at a population frequency that is significantly greater than expected given the associated disease prevalence and penetrance.

Labcorp Genetics (formerly Invitae), Labcorp
Classification: Benign for Retinoblastoma. Last evaluated: 2026-01-26. Review status: criteria provided, single submitter. Criteria: Invitae Variant Classification Sherloc (09022015). Collection method: clinical testing. Allele origin: germline.

Ramesar Group, Division of Human Genetics, Institute of Infectious Diseases and Molecular Medicine, UCT/MRC Genomic and Precision Medicine Research Unit, University of Cape Town
Classification: Likely benign for Hereditary retinoblastoma. Last evaluated: 2025-09-17. Review status: criteria provided, single submitter. Criteria: ACMG Guidelines, 2015. Collection method: research. Allele origin: germline. Affected: no.
Comment: BP5 - Variant found in a patient with a different retinal disease; RB1 is not associated with the phenotype BP1 - A missense variant in a gene (RB1) for which primarily truncating variants are known to cause disease BP6 - Reported as benign in ClinVar

All of Us Research Program, National Institutes of Health
Classification: Benign for Retinoblastoma. Last evaluated: 2024-09-27. Review status: criteria provided, single submitter. Criteria: ACMG Guidelines, 2015. Collection method: clinical testing. Allele origin: germline. Inheritance: Autosomal dominant inheritance. Observed: 53 variant alleles, 53 heterozygotes.
Comment: This study involves interpretation of variants in research participants for the purpose of population health screening. Participant phenotype was not available at the time of variant classification. Additional details can be found in publication PMID: 35346344, PMCID: PMC8962531

Blueprint Genetics
Classification: Likely benign. Last evaluated: 2022-10-20. Review status: criteria provided, single submitter. Criteria: ACMG Guidelines, 2015. Collection method: clinical testing. Allele origin: germline.

Color Diagnostics, LLC DBA Color Health
Classification: Benign for Retinoblastoma. Last evaluated: 2022-04-13. Review status: criteria provided, single submitter. Criteria: ACMG Guidelines, 2015. Collection method: clinical testing. Allele origin: germline.

Sema4
Classification: Benign for Hereditary cancer-predisposing syndrome. Last evaluated: 2021-01-04. Review status: criteria provided, single submitter. Criteria: Sema4 Curation Guidelines. Collection method: curation. Allele origin: germline.

Ambry Genetics
Classification: Benign for Hereditary cancer-predisposing syndrome. Last evaluated: 2018-06-07. Review status: criteria provided, single submitter. Criteria: Ambry Variant Classification Scheme 2023. Collection method: clinical testing. Allele origin: germline.

NM_000321.3(RB1):c.52G>T (p.Ala18Ser)

Gene: RB1 (RB transcriptional corepressor 1; plus strand). Cytogenetic location: 13q14.2.
Variant type: single nucleotide variant.
Coding change: c.52G>T on transcript NM_000321.3 (MANE Select); coding-DNA position 52, G replaced by T.
Protein change: p.Ala18Ser; replaces alanine 18 with serine.
Molecular consequence: missense variant.
Genome position (GRCh38, 1-based): chr13:48,303,964, G>T. VCF-style: chr13-48303964-G-T. GRCh37 (hg19) VCF-style: chr13-48878100-G-T.
Other names: short protein forms A18S.
Identifiers: ClinVar variation 237674 (VCV000237674.22), dbSNP rs528218090, ClinGen allele CA038529.
Genomic context (GRCh38, chr13:48,303,964, plus strand): 5'-AAAGGCGTCATGCCGCCCAAAACCCCCCGAAAAACGGCCGCCACCGCCGCCGCTGCCGCC[G>T]CGGAACCCCCGGCACCGCCGCCGCCGCCCCCTCCTGAGGAGGACCCAGAGCAGGACAGCG-3'
Protein context (NP_000312.2, residues 8-28): KTAATAAAAA[Ala18Ser]EPPAPPPPPP